The following is an entry in ClinVar:

ClinVar aggregate classification (germline): Conflicting classifications of pathogenicity. Review status: criteria provided, conflicting classifications (1 of 4 stars). 7 submissions from 7 submitters: Uncertain significance (1); Likely benign (6). Last evaluated 2025-12-11.

Conditions:
NLRP3-related disorder. Also called: NLRP3-related condition; NLRP3-Related Disorders.
Autoinflammatory syndrome. Identifiers: Orphanet 93665, MedGen C3890737, MONDO:0019751.
Cryopyrin associated periodic syndrome (CAPS). Identifiers: Orphanet 208650, MedGen C2316212, MONDO:0016168.

Allele frequency attached by ClinVar (database versions not stated): gnomAD 0.00006; gnomAD exomes 0.00006; TOPMed 0.00006; ExAC 0.00007; ESP Exome Variant Server 0.00015.
gnomAD v4.1: 90 of 1,611,950 alleles (0.0056%); highest among the groups gnomAD compares: Middle Eastern, 0.033%; no homozygotes.

Submissions (7):

Labcorp Genetics (formerly Invitae), Labcorp
Classification: Likely benign for Cryopyrin associated periodic syndrome. Last evaluated: 2025-12-11. Review status: criteria provided, single submitter. Criteria: Invitae Variant Classification Sherloc (09022015). Collection method: clinical testing. Allele origin: germline.

CeGaT Center for Human Genetics Tuebingen
Classification: Likely benign. Last evaluated: 2025-08-01. Review status: criteria provided, single submitter. Criteria: CeGaT Center For Human Genetics Tuebingen Variant Classification Criteria Version 2. Collection method: clinical testing. Allele origin: germline. Affected: yes. Observed: 3 variant alleles.
Comment: NLRP3: BP4, BP7

PreventionGenetics, part of Exact Sciences
Classification: Likely benign for NLRP3-related condition. Last evaluated: 2024-11-12. Review status: criteria provided, single submitter. Criteria: ACMG Guidelines, 2015. Collection method: clinical testing. Allele origin: germline.
Comment: This variant is classified as likely benign based on ACMG/AMP sequence variant interpretation guidelines (Richards et al. 2015 PMID: 25741868, with internal and published modifications).

ARUP Laboratories, Molecular Genetics and Genomics, ARUP Laboratories
Classification: Likely benign. Last evaluated: 2024-09-20. Review status: criteria provided, single submitter. Criteria: ARUP Molecular Germline Variant Investigation Process 2024. Collection method: clinical testing. Allele origin: germline.

Blueprint Genetics
Classification: Likely benign. Last evaluated: 2024-08-02. Review status: criteria provided, single submitter. Criteria: ACMG Guidelines, 2015. Collection method: clinical testing. Allele origin: germline.

Genome Diagnostics Laboratory, The Hospital for Sick Children
Classification: Uncertain significance for Autoinflammatory syndrome. Last evaluated: 2019-02-01. Review status: criteria provided, single submitter. Criteria: ACMG Guidelines, 2015. Collection method: clinical testing. Allele origin: germline. Affected: yes.

GeneDx
Classification: Likely benign. Last evaluated: 2018-02-02. Review status: criteria provided, single submitter. Criteria: GeneDx Variant Classification (06012015). Collection method: clinical testing. Allele origin: germline. Affected: yes.
Comment: This variant is considered likely benign or benign based on one or more of the following criteria: it is a conservative change, it occurs at a poorly conserved position in the protein, it is predicted to be benign by multiple in silico algorithms, and/or has population frequency not consistent with disease.

NM_001243133.2(NLRP3):c.1323C>T (p.Tyr441=)

Gene: NLRP3 (NLR family pyrin domain containing 3; plus strand). Cytogenetic location: 1q44.
Variant type: single nucleotide variant.
Coding change: c.1323C>T on transcript NM_001243133.2 (MANE Select); coding-DNA position 1323, C replaced by T.
Protein change: p.Tyr441=; no amino-acid change (tyrosine 441 retained).
Molecular consequence: synonymous variant.
Genome position (GRCh38, 1-based): chr1:247,424,772, C>T. VCF-style: chr1-247424772-C-T. GRCh37 (hg19) VCF-style: chr1-247588074-C-T.
Other names: c.1323C>T, p.Tyr441= (NM_001079821.3, NM_001127461.3, NM_001127462.3 and 1 more transcripts); c.1329C>T, p.Tyr443= (NM_004895.5).
Identifiers: ClinVar variation 506654 (VCV000506654.41), dbSNP rs200269703, ClinGen allele CA1495010.